The following is an entry in ClinVar:

ClinVar aggregate classification (germline): Uncertain significance (1 of 4 stars; one submission).

Submission:

Labcorp Genetics (formerly Invitae), Labcorp
Classification: Uncertain significance. Last evaluated: 2021-11-18. Review status: criteria provided, single submitter. Criteria: Invitae Variant Classification Sherloc (09022015). Collection method: clinical testing. Allele origin: germline.
Comment: In summary, the available evidence is currently insufficient to determine the role of this variant in disease. Therefore, it has been classified as a Variant of Uncertain Significance. Algorithms developed to predict the effect of missense changes on protein structure and function are either unavailable or do not agree on the potential impact of this missense change (SIFT: "Deleterious"; PolyPhen-2: "Probably Damaging"; Align-GVGD: "Class C0"). This variant has not been reported in the literature in individuals affected with SIN3B-related conditions. This variant is not present in population databases (gnomAD no frequency). This sequence change replaces aspartic acid, which is acidic and polar, with asparagine, which is neutral and polar, at codon 458 of the SIN3B protein (p.Asp458Asn).

NM_001297595.2(SIN3B):c.1276G>A (p.Asp426Asn)

Gene: SIN3B (SIN3 transcription regulator family member B; plus strand). Cytogenetic location: 19p13.11.
Variant type: single nucleotide variant.
Coding change: c.1276G>A on transcript NM_001297595.2 (MANE Select); coding-DNA position 1276, G replaced by A.
Protein change: p.Asp426Asn; replaces aspartic acid 426 with asparagine.
Molecular consequence: missense variant.
Genome position (GRCh38, 1-based): chr19:16,863,689, G>A. VCF-style: chr19-16863689-G-A. GRCh37 (hg19) VCF-style: chr19-16974500-G-A.
Other names: c.46G>A, p.Asp16Asn (NM_001297597.2); c.1372G>A, p.Asp458Asn (NM_015260.4); short protein forms D426N, D458N, D16N.
Identifiers: ClinVar variation 1469325 (VCV001469325.6), dbSNP rs1971721020, ClinGen allele CA404641155.